The following is an entry in ClinVar:

NM_004415.4(DSP):c.4984G>A (p.Glu1662Lys)

Gene: DSP (desmoplakin; plus strand). Cytogenetic location: 6p24.3.
Variant type: single nucleotide variant.
Coding change: c.4984G>A on transcript NM_004415.4 (MANE Select); coding-DNA position 4984, G replaced by A.
Protein change: p.Glu1662Lys; replaces glutamic acid 1662 with lysine.
Molecular consequence: missense variant. On other transcripts: intron variant (2).
Genome position (GRCh38, 1-based): chr6:7,581,174, G>A. VCF-style: chr6-7581174-G-A. GRCh37 (hg19) VCF-style: chr6-7581407-G-A.
Other names: c.4050+934G>A (NM_001319034.2); c.3582+1402G>A (NM_001008844.3); short protein forms E1662K.
Identifiers: ClinVar variation 2775318 (VCV002775318.5), dbSNP rs1401910635, ClinGen allele CA362687588.

ClinVar aggregate classification (germline): Uncertain significance. Review status: criteria provided, multiple submitters, no conflicts (2 of 4 stars). 3 submissions from 3 submitters: Uncertain significance (3). Last evaluated 2025-08-20.

Conditions:
Cardiovascular phenotype. Identifiers: MedGen CN230736.
Cardiomyopathy (CMYO). Also called: Cardiomyopathies. Identifiers: Orphanet 167848, MedGen C0878544, MONDO:0004994, HP:0001638. Inheritance: Various modes of inheritance.
Arrhythmogenic cardiomyopathy with wooly hair and keratoderma. Also called: PALMOPLANTAR KERATODERMA WITH LEFT VENTRICULAR CARDIOMYOPATHY AND WOOLLY HAIR; Dilated cardiomyopathy with woolly hair and keratoderma; Arrhythmogenic cardiomyopathy with woolly hair and keratoderma; Carvajal syndrome. Identifiers: Orphanet 65282, MedGen C1854063, MONDO:0011581, OMIM 605676.

Allele frequency attached by ClinVar (database versions not stated): gnomAD exomes below 0.00001; gnomAD 0.00001.

Submissions (3):

Ambry Genetics
Classification: Uncertain significance for Cardiovascular phenotype. Last evaluated: 2025-08-20. Review status: criteria provided, single submitter. Criteria: Ambry Variant Classification Scheme 2023. Collection method: clinical testing. Allele origin: germline.
Comment: The p.E1662K variant (also known as c.4984G>A), located in coding exon 23 of the DSP gene, results from a G to A substitution at nucleotide position 4984. The glutamic acid at codon 1662 is replaced by lysine, an amino acid with similar properties. This amino acid position is conserved. In addition, the in silico prediction for this alteration is inconclusive. Based on the available evidence, the clinical significance of this variant remains unclear.

All of Us Research Program, National Institutes of Health
Classification: Uncertain significance for Arrhythmogenic cardiomyopathy with wooly hair and keratoderma. Last evaluated: 2024-05-09. Review status: criteria provided, single submitter. Criteria: ACMG Guidelines, 2015. Collection method: clinical testing. Allele origin: germline. Inheritance: Autosomal dominant inheritance. Observed: 2 variant alleles, 2 heterozygotes.
Comment: This study involves interpretation of variants in research participants for the purpose of population health screening. Participant phenotype was not available at the time of variant classification. Additional details can be found in publication PMID: 35346344, PMCID: PMC8962531

Color Diagnostics, LLC DBA Color Health
Classification: Uncertain significance for Cardiomyopathy. Last evaluated: 2023-11-06. Review status: criteria provided, single submitter. Criteria: ACMG Guidelines, 2015. Collection method: clinical testing. Allele origin: germline.
Comment: This missense variant replaces glutamic acid with lysine at codon 1662 of the DSP protein. Computational prediction suggests that this variant may not impact protein structure and function (internally defined REVEL score threshold <= 0.5, PMID: 27666373). To our knowledge, functional studies have not been reported for this variant. This variant has not been reported in individuals affected with DSP-related disorders in the literature. This variant has been identified in 1/31412 chromosomes in the general population by the Genome Aggregation Database (gnomAD). The available evidence is insufficient to determine the role of this variant in disease conclusively. Therefore, this variant is classified as a Variant of Uncertain Significance.